The following is an entry in ClinVar:

NM_004782.4(SNAP29):c.*2261G>T

Gene: SNAP29 (synaptosome associated protein 29; plus strand). Cytogenetic location: 22q11.21.
Variant type: single nucleotide variant.
Coding change: c.*2261G>T on transcript NM_004782.4 (MANE Select); 2261 bases downstream of the stop codon, G replaced by T.
Molecular consequence: 3 prime UTR variant.
Genome position (GRCh38, 1-based): chr22:20,890,097, G>T. VCF-style: chr22-20890097-G-T. GRCh37 (hg19) VCF-style: chr22-21244385-G-T.
Identifiers: ClinVar variation 340880 (VCV000340880.6), dbSNP rs165744, ClinGen allele CA10653902.

ClinVar aggregate classification (germline): Benign. Review status: criteria provided, multiple submitters, no conflicts (2 of 4 stars). 2 submissions from 2 submitters: Benign (2). Last evaluated 2018-01-12.

Conditions:
CEDNIK syndrome. Also called: CEREBRAL DYSGENESIS, NEUROPATHY, ICHTHYOSIS, AND PALMOPLANTAR KERATODERMA SYNDROME; Cerebral dysgenesis, neuropathy, ichthyosis, and palmoplantar keratoderma. Identifiers: Orphanet 66631, MedGen C1836033, MONDO:0012290, OMIM 609528.

Allele frequency attached by ClinVar (database versions not stated): TOPMed 0.40342; 1000 Genomes Project 0.41034; 1000 Genomes Project 30x 0.41474.

Submissions (2):

Illumina Laboratory Services, Illumina
Classification: Benign for CEDNIK syndrome. Last evaluated: 2018-01-12. Review status: criteria provided, single submitter. Criteria: ICSL Variant Classification Criteria 13 December 2019. Collection method: clinical testing. Allele origin: germline.
Comment: This variant was observed in the ICSL laboratory as part of a predisposition screen in an ostensibly healthy population. It had not been previously curated by ICSL or reported in the Human Gene Mutation Database (HGMD: prior to June 1st, 2018), and was therefore a candidate for classification through an automated scoring system. Utilizing variant allele frequency, disease prevalence and penetrance estimates, and inheritance mode, an automated score was calculated to assess if this variant is too frequent to cause the disease. Based on the score and internal cut-off values, a variant classified as benign is not then subjected to further curation. The score for this variant resulted in a classification of benign for this disease.

Breakthrough Genomics
Classification: Benign. Review status: criteria provided, single submitter. Criteria: ACMG Guidelines, 2015. Collection method: not provided. Allele origin: germline. Inheritance: Autosomal recessive inheritance. Affected: yes.